The following is an entry in ClinVar:

ClinVar aggregate classification (germline): Uncertain significance (1 of 4 stars; one submission).

Conditions:
Muscular dystrophy-dystroglycanopathy (congenital with brain and eye anomalies), type A9. Also called: WALKER-WARBURG SYNDROME OR MUSCLE-EYE BRAIN DISEASE, DAG1-RELATED; Muscular dystrophy-dystroglycanopathy (congenital with brain and eye anomalies), type a, 9. Identifiers: Orphanet 370997, Orphanet 899, MedGen C4225291, MONDO:0014683, OMIM 616538.
Autosomal recessive limb-girdle muscular dystrophy type 2P. Also called: Limb-Girdle Muscular Dystrophy Type 9C; MUSCULAR DYSTROPHY, LIMB-GIRDLE, TYPE 2P; MUSCULAR DYSTROPHY-DYSTROGLYCANOPATHY, LIMB-GIRDLE, DAG1-RELATED. Identifiers: Orphanet 280333, MedGen C4511963, MONDO:0013440, OMIM 613818.

Submission:

Labcorp Genetics (formerly Invitae), Labcorp
Classification: Uncertain significance for Autosomal recessive limb-girdle muscular dystrophy type 2P; Muscular dystrophy-dystroglycanopathy (congenital with brain and eye anomalies), type A9. Last evaluated: 2022-06-07. Review status: criteria provided, single submitter. Criteria: Invitae Variant Classification Sherloc (09022015). Collection method: clinical testing. Allele origin: germline.
Comment: This sequence change creates a premature translational stop signal (p.Ser475Phefs*33) in the DAG1 gene. While this is not anticipated to result in nonsense mediated decay, it is expected to disrupt the last 421 amino acid(s) of the DAG1 protein. In summary, the available evidence is currently insufficient to determine the role of this variant in disease. Therefore, it has been classified as a Variant of Uncertain Significance. Experimental studies and prediction algorithms are not available or were not evaluated, and the functional significance of this variant is currently unknown. This variant has not been reported in the literature in individuals affected with DAG1-related conditions. This variant is not present in population databases (gnomAD no frequency).

NM_004393.6(DAG1):c.1423_1424insTT (p.Ser475fs)

Gene: DAG1 (dystroglycan 1; plus strand). Cytogenetic location: 3p21.31.
Variant type: Insertion.
Coding change: c.1423_1424insTT on transcript NM_004393.6 (MANE Select); coding-DNA positions 1423 to 1424, TT inserted.
Protein change: p.Ser475fs; shifts the reading frame from serine 475.
Molecular consequence: frameshift variant.
Genome position: GRCh38 VCF-style: chr3-49531933-C-CTT. GRCh37 (hg19) VCF-style: chr3-49569366-C-CTT.
Other names: c.1423_1424insTT, p.Ser475fs (NM_001165928.4, NM_001177634.3, NM_001177635.3 and 9 more transcripts); short protein forms S475fs.
Identifiers: ClinVar variation 2003038 (VCV002003038.4), dbSNP rs2472627773, ClinGen allele CA2580070061.